The following is an entry in ClinVar:

ClinVar aggregate classification (germline): Conflicting classifications of pathogenicity. Review status: criteria provided, conflicting classifications (1 of 4 stars). 8 submissions from 8 submitters: Uncertain significance (1); Likely benign (2). 5 of the submissions do not count toward it. Last evaluated 2026-01-24.

Conditions:
HGSNAT-related disorder. Also called: HGSNAT-related condition.
Mucopolysaccharidosis, MPS-III-C (MPS3C). Also called: MUCOPOLYSACCHARIDOSIS, TYPE IIIC; Mucopolysaccharidosis type IIIC (Sanfilippo C); MPS IIIC (Sanfilippo Syndrome Type C); SANFILIPPO SYNDROME C; mucopolysaccharidosis type 3C; MPS III C. Identifiers: Orphanet 581, Orphanet 79271, MedGen C0086649, MONDO:0009657, OMIM 252930.
Retinitis pigmentosa 73 (RP73). Identifiers: Orphanet 791, MedGen C4225287, MONDO:0014687, OMIM 616544.

Allele frequency attached by ClinVar (database versions not stated): gnomAD exomes 0.00063; 1000 Genomes Project 30x 0.00016; gnomAD 0.00031; TOPMed 0.00039.
gnomAD v4.1: 849 of 1,235,348 alleles (0.069%); highest among the groups gnomAD compares: Non-Finnish European, 0.084%; 1 homozygote.

Submissions (8):

Labcorp Genetics (formerly Invitae), Labcorp
Classification: Likely benign for Retinitis pigmentosa 73; Mucopolysaccharidosis, MPS-III-C. Last evaluated: 2026-01-24. Review status: criteria provided, single submitter. Criteria: Invitae Variant Classification Sherloc (09022015). Collection method: clinical testing. Allele origin: germline.

Blueprint Genetics
Classification: Likely benign. Last evaluated: 2024-09-04. Review status: criteria provided, single submitter. Criteria: ACMG Guidelines, 2015. Collection method: clinical testing. Allele origin: germline.

Illumina Laboratory Services, Illumina
Classification: Uncertain significance for Mucopolysaccharidosis, MPS-III-C. Last evaluated: 2018-01-13. Review status: criteria provided, single submitter. Criteria: ICSL Variant Classification Criteria 13 December 2019. Collection method: clinical testing. Allele origin: germline.

PreventionGenetics, part of Exact Sciences
Classification: Likely benign for HGSNAT-related condition. Last evaluated: 2022-05-26. Review status: no assertion criteria provided. Collection method: clinical testing. Allele origin: germline. Not counted in ClinVar's aggregate classification.
Comment: This variant is classified as likely benign based on ACMG/AMP sequence variant interpretation guidelines (Richards et al. 2015 PMID: 25741868, with internal and published modifications).

Natera, Inc.
Classification: Likely benign for Mucopolysaccharidosis type IIIC. Last evaluated: 2019-10-28. Review status: no assertion criteria provided. Collection method: clinical testing. Allele origin: germline. Not counted in ClinVar's aggregate classification.

Mayo Clinic Laboratories, Mayo Clinic
Classification: Likely benign. Last evaluated: 2017-10-13. Review status: no assertion criteria provided. Collection method: clinical testing. Allele origin: unknown. Not counted in ClinVar's aggregate classification.

Clinical Genetics DNA and cytogenetics Diagnostics Lab, Erasmus MC, Erasmus Medical Center
Classification: Likely benign. Review status: no assertion criteria provided. Collection method: clinical testing. Allele origin: germline. Affected: yes. Study: VKGL Data-share Consensus. Not counted in ClinVar's aggregate classification.

Clinical Genetics, Academic Medical Center
Classification: Benign. Review status: no assertion criteria provided. Collection method: clinical testing. Allele origin: germline. Affected: yes. Study: VKGL Data-share Consensus. Not counted in ClinVar's aggregate classification.

NM_152419.3(HGSNAT):c.108G>A (p.Ala36=)

Genes: HGSNAT (heparan-alpha-glucosaminide N-acetyltransferase; plus strand), LOC130000316 (ATAC-STARR-seq lymphoblastoid silent region 19164; plus strand). Cytogenetic location: 8p11.21.
Variant type: single nucleotide variant.
Coding change: c.108G>A on transcript NM_152419.3 (MANE Select); coding-DNA position 108, G replaced by A.
Protein change: p.Ala36=; no amino-acid change (alanine 36 retained).
Molecular consequence: synonymous variant. On other transcripts: 5 prime UTR variant (1).
Genome position (GRCh38, 1-based): chr8:43,140,604, G>A. VCF-style: chr8-43140604-G-A. GRCh37 (hg19) VCF-style: chr8-42995747-G-A.
Other names: c.108G>A, p.Ala36= (NM_001363227.2, NM_001363228.2); c.-726G>A (NM_001363229.2).
Identifiers: ClinVar variation 363137 (VCV000363137.25), dbSNP rs886062952, ClinGen allele CA10631133.